The following is an entry in ClinVar:

NM_145276.3(ZNF563):c.377C>T (p.Ser126Phe)

Gene: ZNF563 (zinc finger protein 563; minus strand). Cytogenetic location: 19p13.2.
Variant type: single nucleotide variant.
Coding change: c.377C>T on transcript NM_145276.3 (MANE Select); coding-DNA position 377, C replaced by T.
Protein change: p.Ser126Phe; replaces serine 126 with phenylalanine.
Molecular consequence: missense variant.
Genome position (GRCh38, 1-based): chr19:12,319,648, G>A on the plus strand (C>T on the coding strand, the complement: ZNF563 is on the minus strand). VCF-style: chr19-12319648-G-A. GRCh37 (hg19) VCF-style: chr19-12430462-G-A.
Other names: c.377C>T, p.Ser126Phe (NM_001363608.1); short protein forms S126F.
Identifiers: ClinVar variation 2649339 (VCV002649339.24), dbSNP rs148651180, ClinGen allele CA9222496.

ClinVar aggregate classification (germline): Likely benign (1 of 4 stars; one submission).

Allele frequency attached by ClinVar (database versions not stated): 1000 Genomes Project 0.00060; 1000 Genomes Project 30x 0.00062; TOPMed 0.00235; ESP Exome Variant Server 0.00254; ExAC 0.00353; gnomAD exomes 0.00396.
gnomAD v4.1: 6,218 of 1,614,168 alleles (0.39%); highest among the groups gnomAD compares: Non-Finnish European, 0.44%; 19 homozygotes.

Submission:

CeGaT Center for Human Genetics Tuebingen
Classification: Likely benign. Last evaluated: 2022-12-01. Review status: criteria provided, single submitter. Criteria: CeGaT Center For Human Genetics Tuebingen Variant Classification Criteria Version 2. Collection method: clinical testing. Allele origin: germline. Affected: yes. Observed: 1 variant allele.
Comment: ZNF563: BP4, BS2